The following is an entry in ClinVar:

NM_005422.4(TECTA):c.4533C>T (p.Phe1511=)

Genes: TECTA (tectorin alpha; plus strand), TBCEL-TECTA (TBCEL-TECTA readthrough; plus strand). Cytogenetic location: 11q23.3.
Variant type: single nucleotide variant.
Coding change: c.4533C>T on transcript NM_005422.4 (MANE Select); coding-DNA position 4533, C replaced by T.
Protein change: p.Phe1511=; no amino-acid change (phenylalanine 1511 retained).
Molecular consequence: synonymous variant.
Genome position (GRCh38, 1-based): chr11:121,158,068, C>T. VCF-style: chr11-121158068-C-T. GRCh37 (hg19) VCF-style: chr11-121028777-C-T.
Other names: c.5490C>T, p.Phe1830= (NM_001378761.1).
Identifiers: ClinVar variation 45332 (VCV000045332.29), dbSNP rs77628498, ClinGen allele CA136053.
Genomic context (GRCh38, chr11:121,158,068, plus strand): 5'-CGGCGGCGTCTTCCGCACCTTCGACGGCGCCTTCCTGCGCTTCCCAGCCAACTGCGCCTT[C>T]GTGCTGTCCACCATCTGCCAGAAACTGCCCGACATCTCCTTCCAGCTTATCATCAACTTC-3'
Protein context (NP_005413.2, residues 1501-1521): AFLRFPANCA[Phe1511=]VLSTICQKLP

ClinVar aggregate classification (germline): Conflicting classifications of pathogenicity. Review status: criteria provided, conflicting classifications (1 of 4 stars). 6 submissions from 5 submitters: Uncertain significance (1); Benign (5). Last evaluated 2026-01-27.

Conditions:
Autosomal recessive nonsyndromic hearing loss 21. Identifiers: Orphanet 90636, MedGen C1863655, MONDO:0011351, OMIM 603629.
Autosomal dominant nonsyndromic hearing loss 12. Also called: DEAFNESS, AUTOSOMAL DOMINANT 8. Identifiers: Orphanet 90635, MedGen C1832187, MONDO:0011102, OMIM 601543.

Allele frequency attached by ClinVar (database versions not stated): gnomAD exomes 0.00248; ExAC 0.00331; gnomAD 0.01027 and 0.01098; TOPMed 0.01140; 1000 Genomes Project 30x 0.01218; 1000 Genomes Project 0.01238; ESP Exome Variant Server 0.01238.
gnomAD v4.1: 2,955 of 1,613,884 alleles (0.18%); highest among the groups gnomAD compares: African/African-American, 3.6%; 43 homozygotes.

Submissions (6):

Labcorp Genetics (formerly Invitae), Labcorp
Classification: Benign. Last evaluated: 2026-01-27. Review status: criteria provided, single submitter. Criteria: Invitae Variant Classification Sherloc (09022015). Collection method: clinical testing. Allele origin: germline.

ARUP Laboratories, Molecular Genetics and Genomics, ARUP Laboratories
Classification: Benign. Last evaluated: 2023-11-22. Review status: criteria provided, single submitter. Criteria: ARUP Molecular Germline Variant Investigation Process 2024. Collection method: clinical testing. Allele origin: germline.

GeneDx
Classification: Benign. Last evaluated: 2018-07-06. Review status: criteria provided, single submitter. Criteria: GeneDx Variant Classification Process June 2021. Collection method: clinical testing. Allele origin: germline. Affected: yes.

Illumina Laboratory Services, Illumina
Classification: Uncertain significance for Autosomal recessive nonsyndromic hearing loss 21. Last evaluated: 2018-01-12. Review status: criteria provided, single submitter. Criteria: ICSL Variant Classification Criteria 13 December 2019. Collection method: clinical testing. Allele origin: germline.

Illumina Laboratory Services, Illumina
Classification: Benign for Autosomal dominant nonsyndromic hearing loss 12. Last evaluated: 2018-01-12. Review status: criteria provided, single submitter. Criteria: ICSL Variant Classification Criteria 13 December 2019. Collection method: clinical testing. Allele origin: germline.
Comment: This variant was observed in the ICSL laboratory as part of a predisposition screen in an ostensibly healthy population. It had not been previously curated by ICSL or reported in the Human Gene Mutation Database (HGMD: prior to June 1st, 2018), and was therefore a candidate for classification through an automated scoring system. Utilizing variant allele frequency, disease prevalence and penetrance estimates, and inheritance mode, an automated score was calculated to assess if this variant is too frequent to cause the disease. Based on the score and internal cut-off values, a variant classified as benign is not then subjected to further curation. The score for this variant resulted in a classification of benign for this disease.

Laboratory for Molecular Medicine, Mass General Brigham Personalized Medicine
Classification: Benign. Last evaluated: 2012-05-07. Review status: criteria provided, single submitter. Criteria: LMM Criteria. Collection method: clinical testing. Allele origin: germline. Observed: 12 variant alleles.
Comment: "Phe1511Phe in Exon 13 of TECTA: This variant is not expected to have clinical s ignificance because it does not alter an amino acid residue, is not located with in the splice consensus sequence, and has been identified in 3.6% (135/3738) of African American chromosomes from a broad population by the NHLBI Exome Sequenci ng Project (dbSNP rs77628498)."